The following is an entry in ClinVar:

ClinVar aggregate classification (germline): Uncertain significance. Review status: criteria provided, single submitter (1 of 4 stars). 2 submissions from 2 submitters: Uncertain significance (1). 1 of the submissions does not count toward it. Last evaluated 2022-08-07.

Conditions:
MYOPATHY, CENTRONUCLEAR, AUTOSOMAL DOMINANT, MODIFIER OF.

Allele frequency attached by ClinVar (database versions not stated): ExAC 0.00001; gnomAD exomes 0.00001; TOPMed 0.00001; gnomAD 0.00002.
gnomAD v4.1: 14 of 1,613,690 alleles (0.00087%); highest among the groups gnomAD compares: East Asian, 0.0045%; no homozygotes.

Submissions (2):

Labcorp Genetics (formerly Invitae), Labcorp
Classification: Uncertain significance. Last evaluated: 2022-08-07. Review status: criteria provided, single submitter. Criteria: Invitae Variant Classification Sherloc (09022015). Collection method: clinical testing. Allele origin: germline.
Comment: In summary, the available evidence is currently insufficient to determine the role of this variant in disease. Therefore, it has been classified as a Variant of Uncertain Significance. Algorithms developed to predict the effect of sequence changes on RNA splicing suggest that this variant may create or strengthen a splice site. Algorithms developed to predict the effect of missense changes on protein structure and function (SIFT, PolyPhen-2, Align-GVGD) all suggest that this variant is likely to be tolerated. ClinVar contains an entry for this variant (Variation ID: 1021). This variant has not been reported in the literature in individuals affected with MTMR14-related conditions. This variant is present in population databases (rs121434510, gnomAD 0.005%). This sequence change replaces tyrosine, which is neutral and polar, with cysteine, which is neutral and slightly polar, at codon 462 of the MTMR14 protein (p.Tyr462Cys).

OMIM
Classification: risk factor for MYOPATHY, CENTRONUCLEAR, AUTOSOMAL DOMINANT, MODIFIER OF. Last evaluated: 2006-11-01. Review status: no assertion criteria provided. Collection method: literature only. Allele origin: germline. Not counted in ClinVar's aggregate classification.

Literature cited by the submitters: PubMed 17008356 (cited by OMIM).

NM_001077525.3(MTMR14):c.1385A>G (p.Tyr462Cys)

Gene: MTMR14 (myotubularin related protein 14; plus strand). Cytogenetic location: 3p25.3.
Variant type: single nucleotide variant.
Coding change: c.1385A>G on transcript NM_001077525.3 (MANE Select); coding-DNA position 1385, A replaced by G.
Protein change: p.Tyr462Cys; replaces tyrosine 462 with cysteine.
Molecular consequence: missense variant.
Genome position (GRCh38, 1-based): chr3:9,689,034, A>G. VCF-style: chr3-9689034-A-G. GRCh37 (hg19) VCF-style: chr3-9730718-A-G.
Other names: c.1385A>G, p.Tyr462Cys (NM_001077526.3, NM_022485.5); short protein forms Y462C.
Identifiers: ClinVar variation 1021 (VCV000001021.11), dbSNP rs121434510, ClinGen allele CA114714.